The following is an entry in ClinVar:

ClinVar aggregate classification (germline): Uncertain significance (1 of 4 stars; one submission).

Allele frequency attached by ClinVar (database versions not stated): gnomAD exomes below 0.00001; ExAC 0.00002; gnomAD 0.00004; TOPMed 0.00004; ESP Exome Variant Server 0.00015.
gnomAD v4.1: 10 of 1,612,010 alleles (0.00062%); highest among the groups gnomAD compares: African/African-American, 0.0053%; no homozygotes.

Submission:

Labcorp Genetics (formerly Invitae), Labcorp
Classification: Uncertain significance. Last evaluated: 2022-03-16. Review status: criteria provided, single submitter. Criteria: Invitae Variant Classification Sherloc (09022015). Collection method: clinical testing. Allele origin: germline.
Comment: This sequence change replaces histidine, which is basic and polar, with arginine, which is basic and polar, at codon 225 of the NDUFA10 protein (p.His225Arg). This variant is present in population databases (rs202004542, gnomAD 0.01%). This variant has not been reported in the literature in individuals affected with NDUFA10-related conditions. Algorithms developed to predict the effect of missense changes on protein structure and function (SIFT, PolyPhen-2, Align-GVGD) all suggest that this variant is likely to be tolerated. In summary, the available evidence is currently insufficient to determine the role of this variant in disease. Therefore, it has been classified as a Variant of Uncertain Significance.

NM_004544.4(NDUFA10):c.674A>G (p.His225Arg)

Gene: NDUFA10 (NADH:ubiquinone oxidoreductase subunit A10; minus strand). Cytogenetic location: 2q37.3.
Variant type: single nucleotide variant.
Coding change: c.674A>G on transcript NM_004544.4 (MANE Select); coding-DNA position 674, A replaced by G.
Protein change: p.His225Arg; replaces histidine 225 with arginine.
Molecular consequence: missense variant. On other transcripts: non-coding transcript variant (4).
Genome position (GRCh38, 1-based): chr2:240,011,692, T>C on the plus strand (A>G on the coding strand, the complement: NDUFA10 is on the minus strand). VCF-style: chr2-240011692-T-C. GRCh37 (hg19) VCF-style: chr2-240951109-T-C.
Other names: c.674A>G, p.His225Arg (NM_001322019.2, NM_001322020.2, NM_001410987.1); short protein forms H225R.
Identifiers: ClinVar variation 2182190 (VCV002182190.1), dbSNP rs202004542, ClinGen allele CA2200896.
Genomic context (GRCh38, chr2:240,011,692, plus strand): 5'-AAGGTTTTCTTATAGGCATTCTCAATGTCCTGTAGATAGGCAGAGGTGATCTTCATTTCA[T>C]GTGGCTAAACAGAAGCAGAAAAATCAAACTGGGAAACATTTAGAGTTCATTCTCTTTGAC-3'
Protein context (NP_004535.1, residues 215-235): QRRIQKKGDP[His225Arg]EMKITSAYLQ